The following is an entry in ClinVar:

ClinVar aggregate classification (germline): Uncertain significance (1 of 4 stars; one submission).

Conditions:
PCNT-related disorder. Also called: PCNT-related condition.

gnomAD v4.1: 2 of 1,613,758 alleles (0.00012%); highest among the groups gnomAD compares: South Asian, 0.0022%; no homozygotes.

Submission:

PreventionGenetics, part of Exact Sciences
Classification: Uncertain significance for PCNT-related condition. Last evaluated: 2025-02-13. Review status: criteria provided, single submitter. Criteria: ACMG Guidelines, 2015. Collection method: clinical testing. Allele origin: germline.
Comment: The PCNT c.7424G>C variant is predicted to result in the amino acid substitution p.Arg2475Pro. To our knowledge, this variant has not been reported in the literature. This variant is reported in 0.0033% of alleles in individuals of South Asian descent in gnomAD. At this time, the clinical significance of this variant is uncertain due to the absence of conclusive functional and genetic evidence.

NM_006031.6(PCNT):c.7424G>C (p.Arg2475Pro)

Gene: PCNT (pericentrin; plus strand). Cytogenetic location: 21q22.3.
Variant type: single nucleotide variant.
Coding change: c.7424G>C on transcript NM_006031.6 (MANE Select); coding-DNA position 7424, G replaced by C.
Protein change: p.Arg2475Pro; replaces arginine 2475 with proline.
Molecular consequence: missense variant.
Genome position (GRCh38, 1-based): chr21:46,427,725, G>C. VCF-style: chr21-46427725-G-C. GRCh37 (hg19) VCF-style: chr21-47847639-G-C.
Other names: c.7070G>C, p.Arg2357Pro (NM_001315529.2); short protein forms R2475P, R2357P.
Identifiers: ClinVar variation 4989878 (VCV004989878.1).